The following is an entry in ClinVar:

NM_001408.3(CELSR2):c.3512G>A (p.Arg1171Gln)

Gene: CELSR2 (cadherin EGF LAG seven-pass G-type receptor 2; plus strand). Cytogenetic location: 1p13.3.
Variant type: single nucleotide variant.
Coding change: c.3512G>A on transcript NM_001408.3 (MANE Select); coding-DNA position 3512, G replaced by A.
Protein change: p.Arg1171Gln; replaces arginine 1171 with glutamine.
Molecular consequence: missense variant.
Genome position (GRCh38, 1-based): chr1:109,258,633, G>A. VCF-style: chr1-109258633-G-A. GRCh37 (hg19) VCF-style: chr1-109801255-G-A.
Other names: short protein forms R1171Q.
Identifiers: ClinVar variation 3142038 (VCV003142038.3), dbSNP rs753762805, ClinGen allele CA986956.
Genomic context (GRCh38, chr1:109,258,633, plus strand): 5'-AGGCGGTGGCCGCCACGCTGGCCACGCCACCGGACCACGTGGTGGTCTTCAACGTACAGC[G>A]GGACACCGACGCCCCCGGGGGCCACATCCTCAACGTGAGCCTGTCGGTGGGCCAGCCGCC-3'
Protein context (NP_001399.1, residues 1161-1181): PDHVVVFNVQ[Arg1171Gln]DTDAPGGHIL

ClinVar aggregate classification (germline): Uncertain significance. Review status: criteria provided, multiple submitters, no conflicts (2 of 4 stars). 2 submissions from 2 submitters: Uncertain significance (2). Last evaluated 2024-10-22.

gnomAD v4.1: 26 of 1,561,432 alleles (0.0017%); highest among the groups gnomAD compares: East Asian, 0.038%; no homozygotes.

Submissions (2):

Labcorp Genetics (formerly Invitae), Labcorp
Classification: Uncertain significance. Last evaluated: 2024-10-22. Review status: criteria provided, single submitter. Criteria: Invitae Variant Classification Sherloc (09022015). Collection method: clinical testing. Allele origin: germline.
Comment: This sequence change replaces arginine, which is basic and polar, with glutamine, which is neutral and polar, at codon 1171 of the CELSR2 protein (p.Arg1171Gln). This variant is present in population databases (rs753762805, gnomAD 0.1%), and has an allele count higher than expected for a pathogenic variant. This variant has not been reported in the literature in individuals affected with CELSR2-related conditions. Invitae Evidence Modeling of protein sequence and biophysical properties (such as structural, functional, and spatial information, amino acid conservation, physicochemical variation, residue mobility, and thermodynamic stability) indicates that this missense variant is not expected to disrupt CELSR2 protein function with a negative predictive value of 80%. In summary, the available evidence is currently insufficient to determine the role of this variant in disease. Therefore, it has been classified as a Variant of Uncertain Significance.

Ambry Genetics
Classification: Uncertain significance. Last evaluated: 2023-11-17. Review status: criteria provided, single submitter. Criteria: Ambry Variant Classification Scheme 2023. Collection method: clinical testing. Allele origin: germline.